The following is an entry in ClinVar:

NM_144631.6(ZNF513):c.1341C>G (p.Ser447Arg)

Genes: ZNF513 (zinc finger protein 513; minus strand), LOC129933376 (ATAC-STARR-seq lymphoblastoid active region 15506; plus strand). Cytogenetic location: 2p23.3.
Variant type: single nucleotide variant.
Coding change: c.1341C>G on transcript NM_144631.6 (MANE Select); coding-DNA position 1341, C replaced by G.
Protein change: p.Ser447Arg; replaces serine 447 with arginine.
Molecular consequence: missense variant.
Genome position (GRCh38, 1-based): chr2:27,377,830, G>C on the plus strand (C>G on the coding strand, the complement: ZNF513 is on the minus strand). VCF-style: chr2-27377830-G-C. GRCh37 (hg19) VCF-style: chr2-27600697-G-C.
Other names: c.1155C>G, p.Ser385Arg (NM_001201459.2); c.1341C>G (NM_144631.5); short protein forms S385R, S447R.
Identifiers: ClinVar variation 2415278 (VCV002415278.8), dbSNP rs201381989, ClinGen allele CA1577821.

ClinVar aggregate classification (germline): Uncertain significance. Review status: criteria provided, multiple submitters, no conflicts (2 of 4 stars). 2 submissions from 2 submitters: Uncertain significance (2). Last evaluated 2025-12-02.

Allele frequency attached by ClinVar (database versions not stated): gnomAD 0.00002.
gnomAD v4.1: 27 of 1,614,076 alleles (0.0017%); highest among the groups gnomAD compares: Non-Finnish European, 0.0022%; no homozygotes.

Submissions (2):

Ambry Genetics
Classification: Uncertain significance. Last evaluated: 2025-12-02. Review status: criteria provided, single submitter. Criteria: Ambry Variant Classification Scheme 2023. Collection method: clinical testing. Allele origin: germline.

Labcorp Genetics (formerly Invitae), Labcorp
Classification: Uncertain significance. Last evaluated: 2022-04-12. Review status: criteria provided, single submitter. Criteria: Invitae Variant Classification Sherloc (09022015). Collection method: clinical testing. Allele origin: germline.
Comment: In summary, the available evidence is currently insufficient to determine the role of this variant in disease. Therefore, it has been classified as a Variant of Uncertain Significance. Algorithms developed to predict the effect of sequence changes on RNA splicing suggest that this variant may create or strengthen a splice site. Algorithms developed to predict the effect of missense changes on protein structure and function (SIFT, PolyPhen-2, Align-GVGD) all suggest that this variant is likely to be disruptive. This variant has not been reported in the literature in individuals affected with ZNF513-related conditions. This variant is present in population databases (rs201381989, gnomAD 0.004%). This sequence change replaces serine, which is neutral and polar, with arginine, which is basic and polar, at codon 447 of the ZNF513 protein (p.Ser447Arg).